The following is an entry in ClinVar:

ClinVar aggregate classification (germline): Uncertain significance (1 of 4 stars; one submission).

gnomAD v4.1: 11 of 1,613,552 alleles (0.00068%); highest among the groups gnomAD compares: African/African-American, 0.0013%; no homozygotes.

Submission:

Labcorp Genetics (formerly Invitae), Labcorp
Classification: Uncertain significance. Last evaluated: 2022-05-04. Review status: criteria provided, single submitter. Criteria: Invitae Variant Classification Sherloc (09022015). Collection method: clinical testing. Allele origin: germline.
Comment: In summary, the available evidence is currently insufficient to determine the role of this variant in disease. Therefore, it has been classified as a Variant of Uncertain Significance. Variants that disrupt the consensus splice site are a relatively common cause of aberrant splicing (PMID: 17576681, 9536098). Algorithms developed to predict the effect of sequence changes on RNA splicing suggest that this variant is not likely to affect RNA splicing. This variant has not been reported in the literature in individuals affected with RASGRP2-related conditions. This variant is not present in population databases (gnomAD no frequency). This sequence change falls in intron 5 of the RASGRP2 gene. It does not directly change the encoded amino acid sequence of the RASGRP2 protein. It affects a nucleotide within the consensus splice site.

Literature cited by the submitters: PubMed 17576681; PubMed 9536098.

NM_001098671.2(RASGRP2):c.372-3C>A

Gene: RASGRP2 (RAS guanyl releasing protein 2; minus strand). Cytogenetic location: 11q13.1.
Variant type: single nucleotide variant.
Coding change: c.372-3C>A on transcript NM_001098671.2 (MANE Select); 3 bases into the intron before coding-DNA position 372, C replaced by A.
Molecular consequence: intron variant.
Genome position (GRCh38, 1-based): chr11:64,740,166, G>T on the plus strand (C>A on the coding strand, the complement: RASGRP2 is on the minus strand). VCF-style: chr11-64740166-G-T. GRCh37 (hg19) VCF-style: chr11-64507638-G-T.
Other names: c.372-3C>A (NM_153819.2, NM_001440690.1, NM_001440698.1 and 12 more transcripts); c.459-3C>A (NM_001440705.1, NM_001440703.1, NM_001440704.1); c.-64-3C>A (NM_001318398.2).
Identifiers: ClinVar variation 2185610 (VCV002185610.3), dbSNP rs781003927, ClinGen allele CA599651518.